The following is an entry in ClinVar:

ClinVar aggregate classification (germline): Uncertain significance. Review status: criteria provided, multiple submitters, no conflicts (2 of 4 stars). 2 submissions from 2 submitters: Uncertain significance (2). Last evaluated 2022-08-09.

Conditions:
Immunodeficiency, common variable, 7. Identifiers: Orphanet 1572, Orphanet 696894, MedGen C3542922, MONDO:0013862, OMIM 614699.

Allele frequency attached by ClinVar (database versions not stated): 1000 Genomes Project 30x 0.00016; gnomAD 0.00001; TOPMed 0.00001; gnomAD exomes 0.00002; 1000 Genomes Project 0.00020; ExAC 0.00002.
gnomAD v4.1: 35 of 1,613,736 alleles (0.0022%); highest among the groups gnomAD compares: Non-Finnish European, 0.0028%; no homozygotes.

Submissions (2):

Labcorp Genetics (formerly Invitae), Labcorp
Classification: Uncertain significance for Immunodeficiency, common variable, 7. Last evaluated: 2022-08-09. Review status: criteria provided, single submitter. Criteria: Invitae Variant Classification Sherloc (09022015). Collection method: clinical testing. Allele origin: germline.
Comment: This sequence change replaces glutamine, which is neutral and polar, with arginine, which is basic and polar, at codon 662 of the CR2 protein (p.Gln662Arg). This variant is present in population databases (rs189823830, gnomAD 0.004%). This variant has not been reported in the literature in individuals affected with CR2-related conditions. ClinVar contains an entry for this variant (Variation ID: 1041331). Algorithms developed to predict the effect of missense changes on protein structure and function are either unavailable or do not agree on the potential impact of this missense change (SIFT: "Tolerated"; PolyPhen-2: "Possibly Damaging"; Align-GVGD: "Class C0"). In summary, the available evidence is currently insufficient to determine the role of this variant in disease. Therefore, it has been classified as a Variant of Uncertain Significance.

Breakthrough Genomics
Classification: Uncertain significance. Review status: criteria provided, single submitter. Criteria: ACMG Guidelines, 2015. Collection method: not provided. Allele origin: germline. Inheritance: Autosomal recessive inheritance. Affected: yes.

NM_001006658.3(CR2):c.1985A>G (p.Gln662Arg)

Gene: CR2 (complement C3d receptor 2; plus strand). Cytogenetic location: 1q32.2.
Variant type: single nucleotide variant.
Coding change: c.1985A>G on transcript NM_001006658.3 (MANE Select); coding-DNA position 1985, A replaced by G.
Protein change: p.Gln662Arg; replaces glutamine 662 with arginine.
Molecular consequence: missense variant. On other transcripts: intron variant (1).
Genome position (GRCh38, 1-based): chr1:207,473,551, A>G. VCF-style: chr1-207473551-A-G. GRCh37 (hg19) VCF-style: chr1-207646896-A-G.
Other names: c.1979-250A>G (NM_001877.5); short protein forms Q662R.
Identifiers: ClinVar variation 1041331 (VCV001041331.7), dbSNP rs189823830, ClinGen allele CA1368856.